The following is an entry in ClinVar:

ClinVar aggregate classification (germline): Conflicting classifications of pathogenicity. Review status: criteria provided, conflicting classifications (1 of 4 stars). 2 submissions from 2 submitters: Uncertain significance (1); Benign (1). Last evaluated 2025-09-09.

Conditions:
Hereditary cancer-predisposing syndrome. Also called: Neoplastic Syndromes, Hereditary; Tumor predisposition; Hereditary Cancer Syndrome; Hereditary neoplastic syndrome. Identifiers: Orphanet 140162, MedGen C0027672, MeSH D009386, MONDO:0015356.

Submissions (2):

Ambry Genetics
Classification: Benign for Hereditary cancer-predisposing syndrome. Last evaluated: 2025-09-09. Review status: criteria provided, single submitter. Criteria: Ambry Variant Classification Scheme 2023. Collection method: clinical testing. Allele origin: germline.

Color Diagnostics, LLC DBA Color Health
Classification: Uncertain significance for Hereditary cancer-predisposing syndrome. Last evaluated: 2023-12-05. Review status: criteria provided, single submitter. Criteria: ACMG Guidelines, 2015. Collection method: clinical testing. Allele origin: germline.
Comment: This missense variant replaces serine with asparagine at codon 44 of the MUTYH protein. Computational prediction suggests that this variant may not impact protein structure and function (internally defined REVEL score threshold <= 0.5, PMID: 27666373). To our knowledge, functional studies have not been reported for this variant. This variant has not been reported in individuals affected with MUTYH-related disorders in the literature. This variant has not been identified in the general population by the Genome Aggregation Database (gnomAD). The available evidence is insufficient to determine the role of this variant in disease conclusively. Therefore, this variant is classified as a Variant of Uncertain Significance.

Literature cited by the submitters: PubMed 40738107 (cited by Ambry Genetics).

NM_001048174.2(MUTYH):c.89G>A (p.Ser30Asn)

Gene: MUTYH (mutY DNA glycosylase; minus strand). Cytogenetic location: 1p34.1.
Variant type: single nucleotide variant.
Coding change: c.89G>A on transcript NM_001048174.2 (MANE Select); coding-DNA position 89, G replaced by A.
Protein change: p.Ser30Asn; replaces serine 30 with asparagine.
Molecular consequence: missense variant. On other transcripts: 5 prime UTR variant (4), non-coding transcript variant (2).
Genome position (GRCh38, 1-based): chr1:45,334,417, C>T on the plus strand (G>A on the coding strand, the complement: MUTYH is on the minus strand). VCF-style: chr1-45334417-C-T. GRCh37 (hg19) VCF-style: chr1-45800089-C-T.
Other names: c.89G>A, p.Ser30Asn (NM_001048171.2, NM_001048172.2, NM_001048173.2 and 2 more transcripts); c.131G>A, p.Ser44Asn (NM_001128425.2, NM_001293190.2, NM_012222.3); c.-124G>A (NM_001293192.2, NM_001293196.2); c.-183G>A (NM_001350650.2); c.-119G>A (NM_001350651.2); short protein forms S44N, S30N.
Identifiers: ClinVar variation 231860 (VCV000231860.10), dbSNP rs876659408, ClinGen allele CA10577749.